The following is an entry in ClinVar:

NM_001754.5(RUNX1):c.830del (p.Pro277fs)

Gene: RUNX1 (RUNX family transcription factor 1; minus strand). Cytogenetic location: 21q22.12.
Variant type: Deletion.
Coding change: c.830del on transcript NM_001754.5 (MANE Select); coding-DNA position 830, one base deleted (C; older notation c.830delC).
Protein change: p.Pro277fs; shifts the reading frame from proline 277.
Molecular consequence: frameshift variant.
Genome position (GRCh38, 1-based): chr21:34,799,438, G deleted on the plus strand (C on the coding strand, the reverse complement: RUNX1 is on the minus strand); the first of 4 consecutive G bases (chr21:34,799,438-34,799,441); deleting any one gives the same sequence. VCF-style (leftmost placement, unchanged base first): chr21-34799437-TG-T. GRCh37 (hg19) VCF-style: chr21-36171734-TG-T.
Other names: NM_001754.5(RUNX1):c.830del; p.Pro277fs; c.749del, p.Pro250fs (NM_001001890.3); short protein forms P250fs, P277fs.
Identifiers: ClinVar variation 1338044 (VCV001338044.6), dbSNP rs2145909826, ClinGen allele CA2573054928.

ClinVar aggregate classification (germline): Pathogenic. Review status: reviewed by expert panel (3 of 4 stars). 3 submissions from 3 submitters: Pathogenic (1). 2 of the submissions do not count toward it. Last evaluated 2024-08-01.

Conditions:
RUNX1-related disorder. Also called: RUNX1-related condition.
Hereditary thrombocytopenia and hematologic cancer predisposition syndrome. Identifiers: Orphanet 71290, MedGen CN281654, MONDO:0011071.

Submissions (3):

ClinGen Myeloid Malignancy Variant Curation Expert Panel
Classification: Pathogenic for Hereditary thrombocytopenia and hematologic cancer predisposition syndrome. Last evaluated: 2024-08-01. Review status: reviewed by expert panel. Criteria: ClinGen MyeloMalig ACMG Specifications v2. Collection method: curation. Allele origin: germline. Inheritance: Autosomal dominant inheritance.
Comment: NM_001754.5(RUNX1):c.830del (p.Pro277fs) is a frameshift variant predicted to undergo NMD (PVS1 CNV tree). This variant is downstream of c.98 (PM5_Supporting). This variant is completely absent from all population databases with at least 20x coverage for RUNX1 (PM2_Supporting). In summary, this variant meets criteria to be classified as pathogenic. ACMG/AMP criteria applied, as specified by the Myeloid Malignancy Variant Curation Expert Panel for RUNX1: PVS1, PM2_supporting, PM5_supporting.

Blueprint Genetics
Classification: Likely pathogenic for RUNX1-related disorders. Last evaluated: 2024-05-24. Review status: criteria provided, single submitter. Criteria: ACMG Guidelines, 2015. Collection method: clinical testing. Allele origin: germline. Affected: yes. Observed: 2 variant alleles. Not counted in ClinVar's aggregate classification.

Genetic Services Laboratory, University of Chicago
Classification: Likely pathogenic. Last evaluated: 2021-07-28. Review status: criteria provided, single submitter. Criteria: ACMG Guidelines, 2015. Collection method: clinical testing. Allele origin: germline. Affected: yes. Not counted in ClinVar's aggregate classification.
Comment: DNA sequence analysis of the RUNX1 gene demonstrated a single base pair deletion in exon 9 RUNX1 c.830del. This sequence change results in an amino acid frameshift and creates a premature stop codon 33 amino acids downstream of the change, p.Pro277Hisfs*34. This sequence change is predicted to result in an abnormal transcript, which may be degraded, or may lead to the production of a truncated RUNX1 protein with potentially abnormal function. While this deletion has not previously been described in the literature, several other frameshift and truncating variants downstream of this position have been described in individuals with RUNX1-related disorders. This sequence change is likely causative of this individual's phenotype; however functional studies have not been performed to prove this conclusively.